The following is an entry in ClinVar:

ClinVar aggregate classification (germline): Uncertain significance (1 of 4 stars; one submission).

Conditions:
Hereditary cancer-predisposing syndrome. Also called: Neoplastic Syndromes, Hereditary; Tumor predisposition; Hereditary Cancer Syndrome; Hereditary neoplastic syndrome. Identifiers: Orphanet 140162, MedGen C0027672, MeSH D009386, MONDO:0015356.

gnomAD v4.1: 1 of 1,613,908 alleles (0.000062%); highest among the groups gnomAD compares: Non-Finnish European, 0.000085%; no homozygotes.

Submission:

Ambry Genetics
Classification: Uncertain significance for Hereditary cancer-predisposing syndrome. Last evaluated: 2026-04-20. Review status: criteria provided, single submitter. Criteria: Ambry Variant Classification Scheme 2023. Collection method: clinical testing. Allele origin: germline.
Comment: The c.163G>C (p.A55P) alteration is located in exon 3 (coding exon 2) of the DICER1 gene. This alteration results from a G to C substitution at nucleotide position 163, causing the alanine (A) at amino acid position 55 to be replaced by a proline (P). Based on data from gnomAD, the C allele has an overall frequency of <0.001% (1/251324) total alleles studied. The highest observed frequency was 0.001% (1/113654) of European (non-Finnish) alleles. This amino acid position is highly conserved in available vertebrate species. This alteration is predicted to be deleterious by in silico analysis. Based on insufficient or conflicting evidence, the clinical significance of this alteration remains unclear.

NM_177438.3(DICER1):c.163G>C (p.Ala55Pro)

Gene: DICER1 (dicer 1, ribonuclease III; minus strand). Cytogenetic location: 14q32.13.
Variant type: single nucleotide variant.
Coding change: c.163G>C on transcript NM_177438.3 (MANE Select); coding-DNA position 163, G replaced by C.
Protein change: p.Ala55Pro; replaces alanine 55 with proline.
Molecular consequence: missense variant. On other transcripts: 5 prime UTR variant (9), non-coding transcript variant (6).
Genome position (GRCh38, 1-based): chr14:95,132,659, C>G on the plus strand (G>C on the coding strand, the complement: DICER1 is on the minus strand). VCF-style: chr14-95132659-C-G. GRCh37 (hg19) VCF-style: chr14-95598996-C-G.
Other names: c.-1406G>C (NM_001395697.1); c.-112G>C (NM_001395698.1, NM_001395696.1, NM_001395686.1 and 4 more transcripts); c.163G>C, p.Ala55Pro (NM_001395699.1, NM_001395700.1, NM_030621.4 and 14 more transcripts); c.-296G>C (NM_001395691.1); short protein forms A55P.
Identifiers: ClinVar variation 4869818 (VCV004869818.1).